The following is an entry in ClinVar:

NM_000352.6(ABCC8):c.4545G>A (p.Thr1515=)

Gene: ABCC8 (ATP binding cassette subfamily C member 8; minus strand). Cytogenetic location: 11p15.1.
Variant type: single nucleotide variant.
Coding change: c.4545G>A on transcript NM_000352.6 (MANE Select); coding-DNA position 4545, G replaced by A.
Protein change: p.Thr1515=; no amino-acid change (threonine 1515 retained).
Molecular consequence: synonymous variant. On other transcripts: non-coding transcript variant (1).
Genome position (GRCh38, 1-based): chr11:17,394,266, C>T on the plus strand (G>A on the coding strand, the complement: ABCC8 is on the minus strand). VCF-style: chr11-17394266-C-T. GRCh37 (hg19) VCF-style: chr11-17415813-C-T.
Other names: c.4548G>A, p.Thr1516= (NM_001287174.3); c.4611G>A, p.Thr1537= (NM_001351295.2); c.4545G>A, p.Thr1515= (NM_001351296.2); c.4542G>A, p.Thr1514= (NM_001351297.2).
Identifiers: ClinVar variation 3769353 (VCV003769353.2).

ClinVar aggregate classification (germline): Uncertain significance (1 of 4 stars; one submission).

gnomAD v4.1: 47 of 1,613,672 alleles (0.0029%); highest among the groups gnomAD compares: African/African-American, 0.0067%; no homozygotes.

Submission:

Women's Health and Genetics/Laboratory Corporation of America, LabCorp
Classification: Uncertain significance. Last evaluated: 2025-01-28. Review status: criteria provided, single submitter. Criteria: LabCorp Variant Classification Summary - May 2015. Collection method: clinical testing. Allele origin: germline.
Comment: Variant summary: ABCC8 c.4545G>A (p.Thr1515Thr) alters a conserved nucleotide located close to a canonical splice site and therefore could affect mRNA splicing, leading to a significantly altered protein sequence. Several computational tools predict a significant impact on normal splicing: Three predict the variant abolishes a 5' splicing donor site. However, these predictions have yet to be confirmed by functional studies. The variant allele was found at a frequency of 4e-05 in 250994 control chromosomes (gnomAD). This frequency is not significantly higher than estimated for a pathogenic variant in ABCC8 causing Familial Hyperinsulinism (4e-05 vs 0.0034), allowing no conclusion about variant significance. To our knowledge, no occurrence of c.4545G>A in individuals affected with Familial Hyperinsulinism and no experimental evidence demonstrating its impact on protein function have been reported. No submitters have cited clinical-significance assessments for this variant to ClinVar. Based on the evidence outlined above, the variant was classified as uncertain significance.